The following is an entry in ClinVar:

ClinVar aggregate classification (germline): Uncertain significance (1 of 4 stars; one submission).

Allele frequency attached by ClinVar (database versions not stated): gnomAD 0.00001.
gnomAD v4.1: 1 of 1,532,954 alleles (0.000065%); highest among the groups gnomAD compares: African/African-American, 0.0014%; no homozygotes.

Submission:

Labcorp Genetics (formerly Invitae), Labcorp
Classification: Uncertain significance. Last evaluated: 2021-08-28. Review status: criteria provided, single submitter. Criteria: Invitae Variant Classification Sherloc (09022015). Collection method: clinical testing. Allele origin: germline.
Comment: This variant has not been reported in the literature in individuals with FSCN2-related conditions. This variant is not present in population databases (ExAC no frequency). This sequence change replaces glycine with alanine at codon 319 of the FSCN2 protein (p.Gly319Ala). The glycine residue is highly conserved and there is a small physicochemical difference between glycine and alanine. Algorithms developed to predict the effect of missense changes on protein structure and function are either unavailable or do not agree on the potential impact of this missense change (SIFT: "Deleterious"; PolyPhen-2: "Probably Damaging"; Align-GVGD: "Class C0"). In summary, the available evidence is currently insufficient to determine the role of this variant in disease. Therefore, it has been classified as a Variant of Uncertain Significance.

NM_012418.4(FSCN2):c.956G>C (p.Gly319Ala)

Gene: FSCN2 (fascin actin-bundling protein 2, retinal; plus strand). Cytogenetic location: 17q25.3.
Variant type: single nucleotide variant.
Coding change: c.956G>C on transcript NM_012418.4 (MANE Select); coding-DNA position 956, G replaced by C.
Protein change: p.Gly319Ala; replaces glycine 319 with alanine.
Molecular consequence: missense variant.
Genome position (GRCh38, 1-based): chr17:81,535,181, G>C. VCF-style: chr17-81535181-G-C. GRCh37 (hg19) VCF-style: chr17-79502207-G-C.
Other names: c.956G>C, p.Gly319Ala (NM_001077182.3); short protein forms G319A.
Identifiers: ClinVar variation 1360213 (VCV001360213.8), dbSNP rs1394477008, ClinGen allele CA401475982.